The following is an entry in ClinVar:

NM_001374736.1(DST):c.20993T>C (p.Met6998Thr)

Gene: DST (dystonin; minus strand). Cytogenetic location: 6p12.1.
Variant type: single nucleotide variant.
Coding change: c.20993T>C on transcript NM_001374736.1 (MANE Select); coding-DNA position 20993, T replaced by C.
Protein change: p.Met6998Thr; replaces methionine 6998 with threonine.
Molecular consequence: missense variant.
Genome position (GRCh38, 1-based): chr6:56,487,158, A>G on the plus strand (T>C on the coding strand, the complement: DST is on the minus strand). VCF-style: chr6-56487158-A-G. GRCh37 (hg19) VCF-style: chr6-56351956-A-G.
Other names: c.14636T>C, p.Met4879Thr (NM_001144769.5); c.14222T>C, p.Met4741Thr (NM_001144770.2); c.20993T>C, p.Met6998Thr (NM_001374722.1); c.20033T>C, p.Met6678Thr (NM_001374729.1); c.13775T>C, p.Met4592Thr (NM_001374730.1); c.21020T>C, p.Met7007Thr (NM_001374734.1); c.14102T>C, p.Met4701Thr (NM_001386100.1, NM_183380.4); c.13124T>C, p.Met4375Thr (NM_015548.5); and 1 more; short protein forms M4592T, M4701T, M4879T, M6678T, M6998T, M4741T, M4375T, M7007T.
Identifiers: ClinVar variation 1450833 (VCV001450833.8), dbSNP rs1408048571, ClinGen allele CA364513013.

ClinVar aggregate classification (germline): Uncertain significance. Review status: criteria provided, multiple submitters, no conflicts (2 of 4 stars). 2 submissions from 2 submitters: Uncertain significance (2). Last evaluated 2024-10-15.

Conditions:
Inborn genetic diseases. Identifiers: MedGen C0950123, MeSH D030342.
Hereditary sensory and autonomic neuropathy type 6. Also called: HSAN VI; Neuropathy, hereditary sensory and autonomic, type VI. Identifiers: Orphanet 314381, MedGen C3539003, MONDO:0013839, OMIM 614653.
Epidermolysis bullosa simplex 3, localized or generalized intermediate, with BP230 deficiency (EBS3). Also called: Epidermolysis bullosa simplex, autosomal recessive 2; Epidermolysis bullosa simplex due to BP230 deficiency. Identifiers: Orphanet 412181, MedGen C3809470, MONDO:0014180, OMIM 615425.

Allele frequency attached by ClinVar (database versions not stated): gnomAD exomes below 0.00001; gnomAD 0.00001; TOPMed 0.00001.
gnomAD v4.1: 7 of 1,613,858 alleles (0.00043%); highest among the groups gnomAD compares: African/African-American, 0.0013%; no homozygotes.

Submissions (2):

Labcorp Genetics (formerly Invitae), Labcorp
Classification: Uncertain significance for Epidermolysis bullosa simplex 3, localized or generalized intermediate, with BP230 deficiency; Hereditary sensory and autonomic neuropathy type 6. Last evaluated: 2024-10-15. Review status: criteria provided, single submitter. Criteria: Invitae Variant Classification Sherloc (09022015). Collection method: clinical testing. Allele origin: germline.
Comment: The DST gene has multiple clinically relevant transcripts. This variant occurs in alternate transcript NM_015548.4, and corresponds to NM_001723.5:c.*128359T>C in the primary transcript. This sequence change replaces methionine, which is neutral and non-polar, with threonine, which is neutral and polar, at codon 4375 of the DST protein (p.Met4375Thr). This variant is not present in population databases (gnomAD no frequency). This variant has not been reported in the literature in individuals affected with DST-related conditions. Experimental studies and prediction algorithms are not available or were not evaluated, and the functional significance of this variant is currently unknown. In summary, the available evidence is currently insufficient to determine the role of this variant in disease. Therefore, it has been classified as a Variant of Uncertain Significance.

Ambry Genetics
Classification: Uncertain significance for Inborn genetic diseases. Last evaluated: 2023-07-31. Review status: criteria provided, single submitter. Criteria: Ambry Variant Classification Scheme 2023. Collection method: clinical testing. Allele origin: germline.